The following is an entry in ClinVar:

NM_017570.5(OPLAH):c.1075C>T (p.Arg359Cys)

Gene: OPLAH (5-oxoprolinase, ATP-hydrolysing; minus strand). Cytogenetic location: 8q24.3.
Variant type: single nucleotide variant.
Coding change: c.1075C>T on transcript NM_017570.5 (MANE Select); coding-DNA position 1075, C replaced by T.
Protein change: p.Arg359Cys; replaces arginine 359 with cysteine.
Molecular consequence: missense variant.
Genome position (GRCh38, 1-based): chr8:144,058,023, G>A on the plus strand (C>T on the coding strand, the complement: OPLAH is on the minus strand). VCF-style: chr8-144058023-G-A. GRCh37 (hg19) VCF-style: chr8-145112926-G-A.
Other names: c.1075C>T (NM_017570.3); short protein forms R359C.
Identifiers: ClinVar variation 1487036 (VCV001487036.6), dbSNP rs568623659, ClinGen allele CA4932025.

ClinVar aggregate classification (germline): Uncertain significance. Review status: criteria provided, multiple submitters, no conflicts (2 of 4 stars). 3 submissions from 3 submitters: Uncertain significance (3). Last evaluated 2024-06-18.

Conditions:
5-Oxoprolinase deficiency (OPLAHD). Also called: 5-OXOPROLINURIA DUE TO 5-OXOPROLINASE DEFICIENCY. Identifiers: Orphanet 33572, MedGen C0268525, MONDO:0009825, OMIM 260005, HP:0040142.

Allele frequency attached by ClinVar (database versions not stated): gnomAD 0.00001 and 0.00003; gnomAD exomes 0.00005 and 0.00020; TOPMed 0.00006; ExAC 0.00015; 1000 Genomes Project 0.00020; 1000 Genomes Project 30x 0.00031.
gnomAD v4.1: 87 of 1,612,478 alleles (0.0054%); highest among the groups gnomAD compares: Admixed American, 0.052%; no homozygotes.

Submissions (3):

Ambry Genetics
Classification: Uncertain significance. Last evaluated: 2024-06-18. Review status: criteria provided, single submitter. Criteria: Ambry Variant Classification Scheme 2023. Collection method: clinical testing. Allele origin: germline.

Labcorp Genetics (formerly Invitae), Labcorp
Classification: Uncertain significance for 5-Oxoprolinase deficiency. Last evaluated: 2022-01-11. Review status: criteria provided, single submitter. Criteria: Invitae Variant Classification Sherloc (09022015). Collection method: clinical testing. Allele origin: germline.
Comment: This sequence change replaces arginine, which is basic and polar, with cysteine, which is neutral and slightly polar, at codon 359 of the OPLAH protein (p.Arg359Cys). This variant is present in population databases (rs568623659, gnomAD 0.09%). This variant has not been reported in the literature in individuals affected with OPLAH-related conditions. Algorithms developed to predict the effect of missense changes on protein structure and function are either unavailable or do not agree on the potential impact of this missense change (SIFT: "Not Available"; PolyPhen-2: "Benign"; Align-GVGD: "Not Available"). In summary, the available evidence is currently insufficient to determine the role of this variant in disease. Therefore, it has been classified as a Variant of Uncertain Significance.

Fulgent Genetics
Classification: Uncertain significance for 5-Oxoprolinase deficiency. Last evaluated: 2021-10-28. Review status: criteria provided, single submitter. Criteria: ACMG Guidelines, 2015. Collection method: clinical testing. Allele origin: unknown.